The following is an entry in ClinVar:

NM_001165963.4(SCN1A):c.2855G>T (p.Trp952Leu)

Gene: SCN1A (sodium voltage-gated channel alpha subunit 1; minus strand). Cytogenetic location: 2q24.3.
Variant type: single nucleotide variant.
Coding change: c.2855G>T on transcript NM_001165963.4 (MANE Select); coding-DNA position 2855, G replaced by T.
Protein change: p.Trp952Leu; replaces tryptophan 952 with leucine.
Molecular consequence: missense variant. On other transcripts: non-coding transcript variant (1).
Genome position (GRCh38, 1-based): chr2:166,037,867, C>A on the plus strand (G>T on the coding strand, the complement: SCN1A is on the minus strand). VCF-style: chr2-166037867-C-A. GRCh37 (hg19) VCF-style: chr2-166894377-C-A.
Other names: c.2771G>T, p.Trp924Leu (NM_001165964.3, NM_001353957.2, NM_001353958.2); c.2855G>T, p.Trp952Leu (NM_001202435.3, NM_001353948.2); c.2822G>T, p.Trp941Leu (NM_001353949.2, NM_001353950.2, NM_001353951.2 and 2 more transcripts); c.2819G>T, p.Trp940Leu (NM_001353954.2, NM_001353955.2); c.2768G>T, p.Trp923Leu (NM_001353960.2); c.413G>T, p.Trp138Leu (NM_001353961.2); short protein forms W138L, W923L, W924L, W940L, W941L, W952L.
Identifiers: ClinVar variation 1710254 (VCV001710254.4), dbSNP rs2105806338, ClinGen allele CA349061151.

ClinVar aggregate classification (germline): Likely pathogenic. Review status: criteria provided, single submitter (1 of 4 stars). 2 submissions from 2 submitters: Likely pathogenic (1). 1 of the submissions does not count toward it. Last evaluated 2024-09-30.

Conditions:
Early-infantile DEE. Also called: Early infantile epileptic encephalopathy with suppression bursts; Early infantile epileptic encephalopathy; Ohtahara syndrome. Identifiers: Orphanet 1934, MedGen C0393706, MONDO:0800491.
Developmental and epileptic encephalopathy 6B. Also called: Developmental and epileptic encephalopathy 6B, non-Dravet. Identifiers: MedGen C5543353, MONDO:0030268, OMIM 619317.

Submissions (2):

Labcorp Genetics (formerly Invitae), Labcorp
Classification: Likely pathogenic for Early-infantile DEE. Last evaluated: 2024-09-30. Review status: criteria provided, single submitter. Criteria: Invitae Variant Classification Sherloc (09022015). Collection method: clinical testing. Allele origin: germline.
Comment: This sequence change replaces tryptophan, which is neutral and slightly polar, with leucine, which is neutral and non-polar, at codon 952 of the SCN1A protein (p.Trp952Leu). This variant is not present in population databases (gnomAD no frequency). This variant has not been reported in the literature in individuals affected with SCN1A-related conditions. ClinVar contains an entry for this variant (Variation ID: 1710254). Invitae Evidence Modeling of protein sequence and biophysical properties (such as structural, functional, and spatial information, amino acid conservation, physicochemical variation, residue mobility, and thermodynamic stability) indicates that this missense variant is expected to disrupt SCN1A protein function with a positive predictive value of 95%. This variant disrupts the p.Trp952 amino acid residue in SCN1A. Other variant(s) that disrupt this residue have been determined to be pathogenic (SCN1A-related conditions). This suggests that this residue is clinically significant, and that variants that disrupt this residue are likely to be disease-causing. In summary, the currently available evidence indicates that the variant is pathogenic, but additional data are needed to prove that conclusively. Therefore, this variant has been classified as Likely Pathogenic.

Clinical Genetics Laboratory, University Hospital Schleswig-Holstein
Classification: Likely pathogenic for Developmental and epileptic encephalopathy 6B. Last evaluated: 2022-05-02. Review status: no assertion criteria provided. Collection method: clinical testing. Allele origin: germline. Affected: yes. Not counted in ClinVar's aggregate classification.